The following is an entry in ClinVar:

ClinVar aggregate classification (germline): Uncertain significance (1 of 4 stars; one submission).

Allele frequency attached by ClinVar (database versions not stated): ExAC 0.00001; gnomAD 0.00001; gnomAD exomes 0.00002; TOPMed 0.00002.
gnomAD v4.1: 43 of 1,614,054 alleles (0.0027%); highest among the groups gnomAD compares: African/African-American, 0.0093%; no homozygotes.

Submission:

Labcorp Genetics (formerly Invitae), Labcorp
Classification: Uncertain significance. Last evaluated: 2024-06-25. Review status: criteria provided, single submitter. Criteria: Invitae Variant Classification Sherloc (09022015). Collection method: clinical testing. Allele origin: germline.
Comment: This sequence change replaces arginine, which is basic and polar, with glutamine, which is neutral and polar, at codon 158 of the LHFPL5 protein (p.Arg158Gln). This variant is present in population databases (rs566829909, gnomAD 0.003%). This variant has not been reported in the literature in individuals affected with LHFPL5-related conditions. ClinVar contains an entry for this variant (Variation ID: 1393163). An algorithm developed to predict the effect of missense changes on protein structure and function (PolyPhen-2) suggests that this variant is likely to be tolerated. This variant disrupts the p.Arg158 amino acid residue in LHFPL5. Other variant(s) that disrupt this residue have been determined to be pathogenic (PMID: 26437881, 30298622). This suggests that this residue is clinically significant, and that variants that disrupt this residue are likely to be disease-causing. In summary, the available evidence is currently insufficient to determine the role of this variant in disease. Therefore, it has been classified as a Variant of Uncertain Significance.

Literature cited by the submitters: PubMed 26437881; PubMed 30298622.

NM_182548.4(LHFPL5):c.473G>A (p.Arg158Gln)

Gene: LHFPL5 (LHFPL tetraspan subfamily member 5; plus strand). Cytogenetic location: 6p21.31.
Variant type: single nucleotide variant.
Coding change: c.473G>A on transcript NM_182548.4 (MANE Select); coding-DNA position 473, G replaced by A.
Protein change: p.Arg158Gln; replaces arginine 158 with glutamine.
Molecular consequence: missense variant.
Genome position (GRCh38, 1-based): chr6:35,814,606, G>A. VCF-style: chr6-35814606-G-A. GRCh37 (hg19) VCF-style: chr6-35782383-G-A.
Other names: short protein forms R158Q.
Identifiers: ClinVar variation 1393163 (VCV001393163.7), dbSNP rs566829909, ClinGen allele CA3774423.